The following is an entry in ClinVar:

NM_015570.4(AUTS2):c.723C>T (p.Asn241=)

Gene: AUTS2 (activator of transcription and developmental regulator AUTS2; plus strand). Cytogenetic location: 7q11.22.
Variant type: single nucleotide variant.
Coding change: c.723C>T on transcript NM_015570.4 (MANE Select); coding-DNA position 723, C replaced by T.
Protein change: p.Asn241=; no amino-acid change (asparagine 241 retained).
Molecular consequence: synonymous variant.
Genome position (GRCh38, 1-based): chr7:70,698,601, C>T. VCF-style: chr7-70698601-C-T. GRCh37 (hg19) VCF-style: chr7-70163587-C-T.
Other names: c.723C>T, p.Asn241= (NM_001127231.3); c.723C>T (NM_015570.3).
Identifiers: ClinVar variation 1265074 (VCV001265074.9), dbSNP rs182043086, ClinGen allele CA4280455.

ClinVar aggregate classification (germline): Benign. Review status: criteria provided, multiple submitters, no conflicts (2 of 4 stars). 3 submissions from 3 submitters: Benign (2). 1 of the submissions does not count toward it. Last evaluated 2025-08-11.

Conditions:
AUTS2-related disorder. Also called: AUTS2-related condition.

Allele frequency attached by ClinVar (database versions not stated): 1000 Genomes Project 0.00020; TOPMed 0.00027; gnomAD exomes 0.00049 and 0.00012; ExAC 0.00050; gnomAD 0.00009 and 0.00010; 1000 Genomes Project 30x 0.00016.
gnomAD v4.1: 204 of 1,607,244 alleles (0.013%); highest among the groups gnomAD compares: East Asian, 0.41%; no homozygotes.

Submissions (3):

Labcorp Genetics (formerly Invitae), Labcorp
Classification: Benign. Last evaluated: 2025-08-11. Review status: criteria provided, single submitter. Criteria: Invitae Variant Classification Sherloc (09022015). Collection method: clinical testing. Allele origin: germline.

GeneDx
Classification: Benign. Last evaluated: 2020-11-18. Review status: criteria provided, single submitter. Criteria: GeneDx Variant Classification Process June 2021. Collection method: clinical testing. Allele origin: germline. Affected: yes.

PreventionGenetics, part of Exact Sciences
Classification: Likely benign for AUTS2-related condition. Last evaluated: 2019-03-29. Review status: no assertion criteria provided. Collection method: clinical testing. Allele origin: germline. Not counted in ClinVar's aggregate classification.
Comment: This variant is classified as likely benign based on ACMG/AMP sequence variant interpretation guidelines (Richards et al. 2015 PMID: 25741868, with internal and published modifications).